The following is an entry in ClinVar:

ClinVar aggregate classification (germline): Uncertain significance. Review status: criteria provided, multiple submitters, no conflicts (2 of 4 stars). 2 submissions from 2 submitters: Uncertain significance (2). Last evaluated 2022-07-11.

Conditions:
Hereditary cancer-predisposing syndrome. Also called: Hereditary Cancer Syndrome; Hereditary neoplastic syndrome; Neoplastic Syndromes, Hereditary; Tumor predisposition. Identifiers: Orphanet 140162, MedGen C0027672, MeSH D009386, MONDO:0015356.

Allele frequency attached by ClinVar (database versions not stated): gnomAD exomes below 0.00001.
gnomAD v4.1: 1 of 1,593,262 alleles (0.000063%); highest among the groups gnomAD compares: Non-Finnish European, 0.000085%; no homozygotes.

Submissions (2):

Ambry Genetics
Classification: Uncertain significance for Hereditary cancer-predisposing syndrome. Last evaluated: 2022-07-11. Review status: criteria provided, single submitter. Criteria: Ambry Variant Classification Scheme 2023. Collection method: clinical testing. Allele origin: germline.
Comment: The p.S7F variant (also known as c.20C>T), located in coding exon 1 of the NF2 gene, results from a C to T substitution at nucleotide position 20. The serine at codon 7 is replaced by phenylalanine, an amino acid with highly dissimilar properties. This amino acid position is conserved. In addition, this alteration is predicted to be deleterious by in silico analysis. Since supporting evidence is limited at this time, the clinical significance of this alteration remains unclear.

Sema4
Classification: Uncertain significance for Hereditary cancer-predisposing syndrome. Last evaluated: 2021-07-22. Review status: criteria provided, single submitter. Criteria: Sema4 Curation Guidelines. Collection method: curation. Allele origin: germline.
Comment: The NF2 c.20C>T (p.S7F) variant has been reported as a somatic variant in a solid tumor sample (PMID 25801821). It was not observed in the large and broad cohorts of the Genome Aggregation Database (PMID: 32461654). The variant has not been reported in ClinVar. Functional studies have not been performed and in silico predictions of the variant's effect on protein function are inconclusive. The evidence is insufficient to meet ACMG/AMP criteria for classifying the variant as benign or pathogenic. Thus, the clinical significance of this variant is currently uncertain.

Literature cited by the submitters: PubMed 25801821 (cited by Sema4).

NM_000268.4(NF2):c.20C>T (p.Ser7Phe)

Gene: NF2 (NF2, moesin-ezrin-radixin like (MERLIN) tumor suppressor; plus strand). Cytogenetic location: 22q12.2.
Variant type: single nucleotide variant.
Coding change: c.20C>T on transcript NM_000268.4 (MANE Select); coding-DNA position 20, C replaced by T.
Protein change: p.Ser7Phe; replaces serine 7 with phenylalanine.
Molecular consequence: missense variant. On other transcripts: non-coding transcript variant (1).
Genome position (GRCh38, 1-based): chr22:29,604,018, C>T. VCF-style: chr22-29604018-C-T. GRCh37 (hg19) VCF-style: chr22-30000007-C-T.
Other names: c.20C>T, p.Ser7Phe (NM_016418.5, NM_181825.3, NM_181828.3 and 5 more transcripts); short protein forms S7F.
Identifiers: ClinVar variation 1692362 (VCV001692362.3), dbSNP rs2146659687, ClinGen allele CA411145783.